The following is an entry in ClinVar:

NM_001348364.2(SIGLEC16):c.421-6C>T

Gene: SIGLEC16 (sialic acid binding Ig like lectin 16 (gene/pseudogene); plus strand). Cytogenetic location: 19q13.33.
Variant type: single nucleotide variant.
Coding change: c.421-6C>T on transcript NM_001348364.2; 6 bases into the intron before coding-DNA position 421, C replaced by T.
Molecular consequence: intron variant.
Genome position (GRCh38, 1-based): chr19:49,970,317, C>T. VCF-style: chr19-49970317-C-T. GRCh37 (hg19) VCF-style: chr19-50473574-C-T.
Identifiers: ClinVar variation 2650294 (VCV002650294.24), dbSNP rs390053, ClinGen allele CA9590383.
Genomic context (GRCh38, chr19:49,970,317, plus strand): 5'-CTGAGCAGAGAGGGCTTTCAGGGACCCCTGCAGCACAAGAATTCCCCACCCCGGTCTCTG[C>T]CCCAGCCCTGACTCAGAAGCCTGATGTCTACATCCCCGAGACCCTGGAGCCCGGGCAGCC-3'

ClinVar aggregate classification (germline): Likely benign (1 of 4 stars; one submission).

Submission:

CeGaT Center for Human Genetics Tuebingen
Classification: Likely benign. Last evaluated: 2023-02-01. Review status: criteria provided, single submitter. Criteria: CeGaT Center For Human Genetics Tuebingen Variant Classification Criteria Version 2. Collection method: clinical testing. Allele origin: germline. Affected: yes. Observed: 1 variant allele.
Comment: SIGLEC16: BP4, BS2